The following is an entry in ClinVar:

NM_177438.3(DICER1):c.1076G>A (p.Cys359Tyr)

Gene: DICER1 (dicer 1, ribonuclease III; minus strand). Cytogenetic location: 14q32.13.
Variant type: single nucleotide variant.
Coding change: c.1076G>A on transcript NM_177438.3 (MANE Select); coding-DNA position 1076, G replaced by A.
Protein change: p.Cys359Tyr; replaces cysteine 359 with tyrosine.
Molecular consequence: missense variant.
Genome position (GRCh38, 1-based): chr14:95,124,496, C>T on the plus strand (G>A on the coding strand, the complement: DICER1 is on the minus strand). VCF-style: chr14-95124496-C-T. GRCh37 (hg19) VCF-style: chr14-95590833-C-T.
Other names: c.1076G>A, p.Cys359Tyr (NM_001195573.1, NM_001271282.3, NM_001291628.2 and 1 more transcripts); c.1076G>A (NM_177438.2); short protein forms C359Y.
Identifiers: ClinVar variation 1441043 (VCV001441043.8), dbSNP rs2140205755, ClinGen allele CA390887013.

ClinVar aggregate classification (germline): Uncertain significance. Review status: criteria provided, multiple submitters, no conflicts (2 of 4 stars). 2 submissions from 2 submitters: Uncertain significance (2). Last evaluated 2023-10-10.

Conditions:
DICER1-related tumor predisposition. Also called: DICER1-related pleuropulmonary blastoma cancer predisposition syndrome; DICER1 syndrome. Identifiers: Orphanet 284343, MedGen C3839822, MONDO:0100216.
Hereditary cancer-predisposing syndrome. Also called: Neoplastic Syndromes, Hereditary; Hereditary Cancer Syndrome; Tumor predisposition; Hereditary neoplastic syndrome. Identifiers: Orphanet 140162, MedGen C0027672, MeSH D009386, MONDO:0015356.

Submissions (2):

Ambry Genetics
Classification: Uncertain significance for Hereditary cancer-predisposing syndrome. Last evaluated: 2023-10-10. Review status: criteria provided, single submitter. Criteria: Ambry Variant Classification Scheme 2023. Collection method: clinical testing. Allele origin: germline.
Comment: The p.C359Y variant (also known as c.1076G>A), located in coding exon 7 of the DICER1 gene, results from a G to A substitution at nucleotide position 1076. The cysteine at codon 359 is replaced by tyrosine, an amino acid with highly dissimilar properties. This amino acid position is conserved. In addition, this alteration is predicted to be deleterious by in silico analysis. Since supporting evidence is limited at this time, the clinical significance of this alteration remains unclear.

Labcorp Genetics (formerly Invitae), Labcorp
Classification: Uncertain significance for DICER1-related tumor predisposition. Last evaluated: 2023-01-28. Review status: criteria provided, single submitter. Criteria: Invitae Variant Classification Sherloc (09022015). Collection method: clinical testing. Allele origin: germline.
Comment: This sequence change replaces cysteine, which is neutral and slightly polar, with tyrosine, which is neutral and polar, at codon 359 of the DICER1 protein (p.Cys359Tyr). This variant is not present in population databases (gnomAD no frequency). This variant has not been reported in the literature in individuals affected with DICER1-related conditions. ClinVar contains an entry for this variant (Variation ID: 1441043). Advanced modeling of protein sequence and biophysical properties (such as structural, functional, and spatial information, amino acid conservation, physicochemical variation, residue mobility, and thermodynamic stability) performed at Invitae indicates that this missense variant is not expected to disrupt DICER1 protein function. In summary, the available evidence is currently insufficient to determine the role of this variant in disease. Therefore, it has been classified as a Variant of Uncertain Significance.